The following is an entry in ClinVar:

NM_153816.6(SNX14):c.1300C>T (p.Gln434Ter)

Gene: SNX14 (sorting nexin 14; minus strand). Cytogenetic location: 6q14.3.
Variant type: single nucleotide variant.
Coding change: c.1300C>T on transcript NM_153816.6 (MANE Select); coding-DNA position 1300, C replaced by T.
Protein change: p.Gln434Ter; replaces glutamine 434 with a stop codon.
Molecular consequence: nonsense. On other transcripts: non-coding transcript variant (6).
Genome position (GRCh38, 1-based): chr6:85,543,271, G>A on the plus strand (C>T on the coding strand, the complement: SNX14 is on the minus strand). VCF-style: chr6-85543271-G-A. GRCh37 (hg19) VCF-style: chr6-86252989-G-A.
Other names: c.145C>T, p.Gln49Ter (NM_001350549.2, NM_001350550.2, NM_001350551.2 and 3 more transcripts); c.1168C>T, p.Gln390Ter (NM_020468.6, NM_001350536.2); c.1300C>T, p.Gln434Ter (NM_001297614.3, NM_001350540.2, NM_001350541.2); c.1144C>T, p.Gln382Ter (NM_001304479.2); c.1363C>T, p.Gln455Ter (NM_001350532.2); c.1297C>T, p.Gln433Ter (NM_001350533.2, NM_001350534.2, NM_001350535.2); c.1165C>T, p.Gln389Ter (NM_001350537.2); c.1156C>T, p.Gln386Ter (NM_001350538.2); and 6 more; short protein forms Q334*, Q338*, Q382*, Q455*, Q286*, Q337*, Q390*, Q381*.
Identifiers: ClinVar variation 931533 (VCV000931533.4), dbSNP rs1784370895, ClinGen allele CA364895416.

ClinVar aggregate classification (germline): Likely pathogenic. Review status: criteria provided, multiple submitters, no conflicts (2 of 4 stars). 2 submissions from 2 submitters: Likely pathogenic (2). Last evaluated 2019-09-24.

Conditions:
Autosomal recessive spinocerebellar ataxia 20. Identifiers: Orphanet 397709, MedGen C5190595, MONDO:0014601, OMIM 616354.

Submissions (2):

Centre for Mendelian Genomics, University Medical Centre Ljubljana
Classification: Likely pathogenic for Autosomal recessive spinocerebellar ataxia 20. Last evaluated: 2019-09-24. Review status: criteria provided, single submitter. Criteria: ACMG Guidelines, 2015. Collection method: clinical testing. Allele origin: unknown. Affected: yes.
Comment: This variant was classified as: Likely pathogenic. The following ACMG criteria were applied in classifying this variant: PVS1,PM2.

Neuberg Centre For Genomic Medicine, NCGM
Classification: Likely pathogenic for Autosomal recessive spinocerebellar ataxia 20. Review status: criteria provided, single submitter. Criteria: ACMG Guidelines, 2015. Collection method: clinical testing. Allele origin: germline. Affected: yes.
Comment: The stop gained p.Q434* in SNX14 (NM_153816.6) has been reported to ClinVar as Likely Pathogenic, but no details are available for independent assesment. The variant has not been reported in affected individuals. The p.Q434* variant is novel (not in any individuals) in gnomAD Exomes and is novel (not in any individuals) in 1000 Genomes. This variant is predicted to cause loss of normal protein function through protein truncation. Loss of function variants have been reported previously to be disease causing. For these reasons, this variant has been classified as Likely Pathogenic.